The following is an entry in ClinVar:

NM_002968.3(SALL1):c.709C>T (p.Gln237Ter)

Gene: SALL1 (spalt like transcription factor 1; minus strand). Cytogenetic location: 16q12.1.
Variant type: single nucleotide variant.
Coding change: c.709C>T on transcript NM_002968.3 (MANE Select); coding-DNA position 709, C replaced by T.
Protein change: p.Gln237Ter; replaces glutamine 237 with a stop codon.
Molecular consequence: nonsense.
Genome position (GRCh38, 1-based): chr16:51,141,513, G>A on the plus strand (C>T on the coding strand, the complement: SALL1 is on the minus strand). VCF-style: chr16-51141513-G-A. GRCh37 (hg19) VCF-style: chr16-51175424-G-A.
Other names: c.418C>T, p.Gln140Ter (NM_001127892.2); short protein forms Q140*, Q237*.
Identifiers: ClinVar variation 1693559 (VCV001693559.4), dbSNP rs2143449624, ClinGen allele CA395891030.
Genomic context (GRCh38, chr16:51,141,513, plus strand): 5'-ACAGCAATATTTGGTGACGAATCTGTTCGATCAATTGCAGCTGGTGGATCTGCTGCTGCT[G>A]CAGAGCTAGGAGTTGTTCCATGAGGGCTGGGACGGCCAGCTTGCCCCCAGAGGCCCCGCC-3'

ClinVar aggregate classification (germline): Pathogenic/Likely pathogenic. Review status: criteria provided, multiple submitters, no conflicts (2 of 4 stars). 3 submissions from 3 submitters: Pathogenic (1); Likely pathogenic (1). 1 of the submissions does not count toward it. Last evaluated 2025-02-27.

Conditions:
Townes-Brocks syndrome 1 (TBS1). Also called: DEAFNESS, SENSORINEURAL, WITH IMPERFORATE ANUS AND THUMB ANOMALIES; REAR SYNDROME; RENAL-EAR-ANAL-RADIAL SYNDROME; SALL1-Related Townes-Brocks Syndrome. Identifiers: Orphanet 857, MedGen C4551481, MONDO:0054581, OMIM 107480.

Submissions (3):

Centre de Biologie Pathologie Génétique, Centre Hospitalier Universitaire de Lille
Classification: Pathogenic for Townes-Brocks syndrome 1. Last evaluated: 2025-02-27. Review status: criteria provided, single submitter. Criteria: ACMG Guidelines, 2015. Collection method: clinical testing. Allele origin: inherited. Inheritance: Autosomal dominant inheritance. Affected: yes.
Comment: PVS1 + PM2 + PP4 + PP1

GeneDx
Classification: Likely pathogenic. Last evaluated: 2024-12-19. Review status: criteria provided, single submitter. Criteria: GeneDx Variant Classification Process June 2021. Collection method: clinical testing. Allele origin: germline. Affected: yes.
Comment: Reported in two siblings with sagittal craniosynostosis in addition to clinical features of TBS; the variant was inherited from a parent whose only reported history included chronic nephropathy (PMID: 36252910); Nonsense variant predicted to result in protein truncation or nonsense mediated decay in a gene for which loss of function is a known mechanism of disease; Not observed at significant frequency in large population cohorts (gnomAD); This variant is associated with the following publications: (PMID: 36252910)

Neonatology Unit, University Hospital of Modena
Classification: Pathogenic for Townes-Brocks syndrome 1. Last evaluated: 2022-06-03. Review status: no assertion criteria provided. Collection method: clinical testing. Allele origin: paternal. Inheritance: Autosomal dominant inheritance. Affected: yes. Observed: 1 hemizygote. Not counted in ClinVar's aggregate classification.